The following is an entry in ClinVar:

NM_000368.5(TSC1):c.2461_2463del (p.Val821del)

Gene: TSC1 (TSC complex subunit 1; minus strand). Cytogenetic location: 9q34.13.
Variant type: Deletion.
Coding change: c.2461_2463del on transcript NM_000368.5 (MANE Select); coding-DNA positions 2461 to 2463, 3 bases deleted (GTG; older notation c.2461_2463delGTG).
Protein change: p.Val821del; deletes valine 821.
Molecular consequence: inframe deletion. On other transcripts: non-coding transcript variant (5), splice donor variant (8).
Genome position (GRCh38, 1-based): chr9:132,901,628-132,901,630, CAC deleted on the plus strand (GTG on the coding strand, the reverse complement: TSC1 is on the minus strand); deleting any 3 consecutive bases within chr9:132,901,628-132,901,631 gives the same sequence; the c. name uses the placement nearest the transcript's 3' end. VCF-style (leftmost placement, unchanged base first): chr9-132901627-ACAC-A. GRCh37 (hg19) VCF-style: chr9-135777014-ACAC-A.
Other names: c.2458_2460del, p.Val820del (NM_001162426.2, NM_001406597.1, NM_001406598.1 and 2 more transcripts); c.2308_2310del, p.Val770del (NM_001162427.2, NM_001406610.1); c.2098_2100del, p.Val700del (NM_001362177.2, NM_001406614.1, NM_001406615.1 and 4 more transcripts); c.2461_2463del, p.Val821del (NM_001406592.1, NM_001406593.1, NM_001406594.1 and 2 more transcripts); c.2446_2448del, p.Val816del (NM_001406601.1, NM_001406602.1); c.2443_2445del, p.Val815del (NM_001406603.1, NM_001406604.1); c.2305_2307del, p.Val769del (NM_001406611.1, NM_001406612.1); c.2095_2097del, p.Val699del (NM_001406620.1, NM_001406621.1, NM_001406622.1 and 1 more transcripts); and 8 more; short protein forms V503del, V700del, V770del, V820del, V699del, V470del, V816del, V504del.
Identifiers: ClinVar variation 2825590 (VCV002825590.3), dbSNP rs2538573829, ClinGen allele CA2739264806.

ClinVar aggregate classification (germline): Uncertain significance (1 of 4 stars; one submission).

Conditions:
Tuberous sclerosis 1 (TSC1). Identifiers: Orphanet 805, MedGen C1854465, MONDO:0008612, OMIM 191100.

Submission:

Labcorp Genetics (formerly Invitae), Labcorp
Classification: Uncertain significance for Tuberous sclerosis 1. Last evaluated: 2023-01-05. Review status: criteria provided, single submitter. Criteria: Invitae Variant Classification Sherloc (09022015). Collection method: clinical testing. Allele origin: germline.
Comment: This variant, c.2461_2463del, results in the deletion of 1 amino acid(s) of the TSC1 protein (p.Val821del), but otherwise preserves the integrity of the reading frame. This variant is not present in population databases (gnomAD no frequency). In summary, the available evidence is currently insufficient to determine the role of this variant in disease. Therefore, it has been classified as a Variant of Uncertain Significance. Algorithms developed to predict the effect of sequence changes on RNA splicing suggest that this variant may disrupt the consensus splice site. Experimental studies and prediction algorithms are not available or were not evaluated, and the functional significance of this variant is currently unknown. This variant has not been reported in the literature in individuals affected with TSC1-related conditions.